The following is an entry in ClinVar:

NM_005630.3(SLCO2A1):c.392G>A (p.Ser131Asn)

Gene: SLCO2A1 (solute carrier organic anion transporter family member 2A1; minus strand). Cytogenetic location: 3q22.1.
Variant type: single nucleotide variant.
Coding change: c.392G>A on transcript NM_005630.3 (MANE Select); coding-DNA position 392, G replaced by A.
Protein change: p.Ser131Asn; replaces serine 131 with asparagine.
Molecular consequence: missense variant.
Genome position (GRCh38, 1-based): chr3:133,973,668, C>T on the plus strand (G>A on the coding strand, the complement: SLCO2A1 is on the minus strand). VCF-style: chr3-133973668-C-T. GRCh37 (hg19) VCF-style: chr3-133692512-C-T.
Other names: short protein forms S131N.
Identifiers: ClinVar variation 1927398 (VCV001927398.4), dbSNP rs757902845, ClinGen allele CA2626853.

ClinVar aggregate classification (germline): Uncertain significance (1 of 4 stars; one submission).

Allele frequency attached by ClinVar (database versions not stated): gnomAD 0.00003; TOPMed 0.00003; ExAC 0.00004.
gnomAD v4.1: 74 of 1,613,610 alleles (0.0046%); highest among the groups gnomAD compares: Non-Finnish European, 0.0055%; no homozygotes.

Submission:

Labcorp Genetics (formerly Invitae), Labcorp
Classification: Uncertain significance. Last evaluated: 2024-02-24. Review status: criteria provided, single submitter. Criteria: Invitae Variant Classification Sherloc (09022015). Collection method: clinical testing. Allele origin: germline.
Comment: This sequence change replaces serine, which is neutral and polar, with asparagine, which is neutral and polar, at codon 131 of the SLCO2A1 protein (p.Ser131Asn). This variant is present in population databases (rs757902845, gnomAD 0.008%). This variant has not been reported in the literature in individuals affected with SLCO2A1-related conditions. ClinVar contains an entry for this variant (Variation ID: 1927398). Advanced modeling of protein sequence and biophysical properties (such as structural, functional, and spatial information, amino acid conservation, physicochemical variation, residue mobility, and thermodynamic stability) performed at Invitae indicates that this missense variant is not expected to disrupt SLCO2A1 protein function with a negative predictive value of 80%. In summary, the available evidence is currently insufficient to determine the role of this variant in disease. Therefore, it has been classified as a Variant of Uncertain Significance.